The following is an entry in ClinVar:

NM_014712.3(SETD1A):c.3366G>A (p.Thr1122=)

Gene: SETD1A (SET domain containing 1A, histone lysine methyltransferase; plus strand). Cytogenetic location: 16p11.2.
Variant type: single nucleotide variant.
Coding change: c.3366G>A on transcript NM_014712.3 (MANE Select); coding-DNA position 3366, G replaced by A.
Protein change: p.Thr1122=; no amino-acid change (threonine 1122 retained).
Molecular consequence: synonymous variant.
Genome position (GRCh38, 1-based): chr16:30,979,152, G>A. VCF-style: chr16-30979152-G-A. GRCh37 (hg19) VCF-style: chr16-30990473-G-A.
Identifiers: ClinVar variation 3055093 (VCV003055093.2), dbSNP rs367918838, ClinGen allele CA8017265.

ClinVar aggregate classification (germline): Likely benign (0 of 4 stars; one submission).

Conditions:
SETD1A-related disorder. Also called: SETD1A-related condition.

Allele frequency attached by ClinVar (database versions not stated): TOPMed 0.00008; gnomAD 0.00015; ESP Exome Variant Server 0.00016; ExAC 0.00019; 1000 Genomes Project 30x 0.00031; gnomAD exomes 0.00034.
gnomAD v4.1: 482 of 1,566,240 alleles (0.031%); highest among the groups gnomAD compares: Non-Finnish European, 0.04%; no homozygotes.

Submission:

PreventionGenetics, part of Exact Sciences
Classification: Likely benign for SETD1A-related condition. Last evaluated: 2021-01-09. Review status: no assertion criteria provided. Collection method: clinical testing. Allele origin: germline.
Comment: This variant is classified as likely benign based on ACMG/AMP sequence variant interpretation guidelines (Richards et al. 2015 PMID: 25741868, with internal and published modifications).